The following is an entry in ClinVar:

NM_020631.6(PLEKHG5):c.2145GGA[10] (p.Glu723_Gly724insGluGlu)

Gene: PLEKHG5 (pleckstrin homology and RhoGEF domain containing G5; minus strand). Cytogenetic location: 1p36.31.
Variant type: Microsatellite.
Coding change: c.2145GGA[10] on transcript NM_020631.6 (MANE Select); ten copies in a row of the 3-base unit GGA starting at c.2145; the reference has eight copies in a row; two copies, 6 bases duplicated.
Protein change: p.Glu723_Gly724insGluGlu.
Molecular consequence: inframe insertion. On other transcripts: inframe indel (4).
Genome position (GRCh38, 1-based): chr1:6,469,123-6,469,128, TCCTCC duplicated on the plus strand (GGAGGA on the coding strand, the reverse complement: PLEKHG5 is on the minus strand); duplicating any 6 consecutive bases within chr1:6,469,123-6,469,148 gives the same sequence; the position shown is the placement nearest the transcript's 3' end. VCF-style (leftmost placement, unchanged base first): chr1-6469122-T-TTCCTCC. GRCh37 (hg19) VCF-style: chr1-6529182-T-TTCCTCC.
Other names: c.2256GGA[10], p.Glu760_Gly761insGluGlu (NM_001042663.3, NM_001265592.2); c.2143_2145GAG[10], p.Glu723_Gly724insGluGlu (NM_001042664.2, NM_001042665.2, NM_001265594.3); c.2350_2352GAG[10], p.Glu792_Gly793insGluGlu (NM_001265593.2); c.2145GGA[10], p.Glu723_Gly724insGluGlu (NM_198681.4).
Identifiers: ClinVar variation 297950 (VCV000297950.13), dbSNP rs113541584, ClinGen allele CA561228.

ClinVar aggregate classification (germline): Conflicting classifications of pathogenicity. Review status: criteria provided, conflicting classifications (1 of 4 stars). 2 submissions from 2 submitters: Uncertain significance (1); Likely benign (1). Last evaluated 2022-02-02.

Conditions:
Charcot-Marie-Tooth disease recessive intermediate C. Also called: CHARCOT-MARIE-TOOTH NEUROPATHY, RECESSIVE INTERMEDIATE C. Identifiers: Orphanet 369867, MedGen C3809309, MONDO:0014154, OMIM 615376.
Neuronopathy, distal hereditary motor, autosomal recessive 4. Also called: Autosomal recessive lower motor neuron disease with childhood onset; NEUROPATHY, DISTAL HEREDITARY MOTOR, AUTOSOMAL RECESSIVE 4. Identifiers: Orphanet 206580, MedGen C1970211, MONDO:0012608, OMIM 611067.

Submissions (2):

Labcorp Genetics (formerly Invitae), Labcorp
Classification: Uncertain significance for Neuronopathy, distal hereditary motor, autosomal recessive 4; Charcot-Marie-Tooth disease recessive intermediate C. Last evaluated: 2022-02-02. Review status: criteria provided, single submitter. Criteria: Invitae Variant Classification Sherloc (09022015). Collection method: clinical testing. Allele origin: germline.
Comment: In summary, the available evidence is currently insufficient to determine the role of this variant in disease. Therefore, it has been classified as a Variant of Uncertain Significance. Experimental studies and prediction algorithms are not available or were not evaluated, and the functional significance of this variant is currently unknown. ClinVar contains an entry for this variant (Variation ID: 297950). This variant has not been reported in the literature in individuals affected with PLEKHG5-related conditions. The frequency data for this variant in the population databases is considered unreliable, as metrics indicate poor data quality at this position in the gnomAD database. This variant, c.2163_2168dup, results in the insertion of 2 amino acid(s) of the PLEKHG5 protein (p.Glu722_Glu723dup), but otherwise preserves the integrity of the reading frame.

GeneDx
Classification: Likely benign. Last evaluated: 2018-03-06. Review status: criteria provided, single submitter. Criteria: GeneDx Variant Classification (06012015). Collection method: clinical testing. Allele origin: germline. Affected: yes.
Comment: This variant is considered likely benign or benign based on one or more of the following criteria: it is a conservative change, it occurs at a poorly conserved position in the protein, it is predicted to be benign by multiple in silico algorithms, and/or has population frequency not consistent with disease.